The following is an entry in ClinVar:

ClinVar aggregate classification (germline): Uncertain significance. Review status: criteria provided, multiple submitters, no conflicts (2 of 4 stars). 3 submissions from 3 submitters: Uncertain significance (3). Last evaluated 2024-10-16.

Conditions:
Bardet-Biedl syndrome (BBS). Identifiers: Orphanet 110, MedGen C0752166, MONDO:0015229.
WDPCP-related disorder. Also called: WDPCP-related condition.
Heart defect - tongue hamartoma - polysyndactyly syndrome. Also called: Congenital heart defects, hamartomas of tongue, and polysyndactyly. Identifiers: Orphanet 1338, MedGen C1857587, MONDO:0009008, OMIM 217085.
Bardet-Biedl syndrome 15 (BBS15). Identifiers: Orphanet 110, MedGen C3150127, MONDO:0014443, OMIM 615992.

Allele frequency attached by ClinVar (database versions not stated): ExAC 0.00001; gnomAD 0.00001; gnomAD exomes 0.00001; TOPMed 0.00002.
gnomAD v4.1: 8 of 1,612,378 alleles (0.0005%); highest among the groups gnomAD compares: African/African-American, 0.0013%; no homozygotes.

Submissions (3):

Labcorp Genetics (formerly Invitae), Labcorp
Classification: Uncertain significance for Bardet-Biedl syndrome. Last evaluated: 2024-10-16. Review status: criteria provided, single submitter. Criteria: Invitae Variant Classification Sherloc (09022015). Collection method: clinical testing. Allele origin: germline.
Comment: This sequence change replaces arginine, which is basic and polar, with glutamine, which is neutral and polar, at codon 101 of the WDPCP protein (p.Arg101Gln). This variant is present in population databases (rs746158542, gnomAD 0.002%). This variant has not been reported in the literature in individuals affected with WDPCP-related conditions. ClinVar contains an entry for this variant (Variation ID: 1493888). Invitae Evidence Modeling of protein sequence and biophysical properties (such as structural, functional, and spatial information, amino acid conservation, physicochemical variation, residue mobility, and thermodynamic stability) indicates that this missense variant is expected to disrupt WDPCP protein function with a positive predictive value of 80%. In summary, the available evidence is currently insufficient to determine the role of this variant in disease. Therefore, it has been classified as a Variant of Uncertain Significance.

PreventionGenetics, part of Exact Sciences
Classification: Uncertain significance for WDPCP-related condition. Last evaluated: 2022-10-16. Review status: criteria provided, single submitter. Criteria: ACMG Guidelines, 2015. Collection method: clinical testing. Allele origin: germline.
Comment: The WDPCP c.302G>A variant is predicted to result in the amino acid substitution p.Arg101Gln. To our knowledge, this variant has not been reported in the literature. This variant is reported in 0.0018% of alleles in individuals of European (Non-Finnish) descent in gnomAD. At this time, the clinical significance of this variant is uncertain due to the absence of conclusive functional and genetic evidence.

Fulgent Genetics
Classification: Uncertain significance for Heart defect - tongue hamartoma - polysyndactyly syndrome; Bardet-Biedl syndrome 15. Last evaluated: 2022-03-14. Review status: criteria provided, single submitter. Criteria: ACMG Guidelines, 2015. Collection method: clinical testing. Allele origin: unknown.

NM_015910.7(WDPCP):c.302G>A (p.Arg101Gln)

Gene: WDPCP (WD repeat containing planar cell polarity effector; minus strand). Cytogenetic location: 2p15.
Variant type: single nucleotide variant.
Coding change: c.302G>A on transcript NM_015910.7 (MANE Select); coding-DNA position 302, G replaced by A.
Protein change: p.Arg101Gln; replaces arginine 101 with glutamine.
Molecular consequence: missense variant. On other transcripts: non-coding transcript variant (2).
Genome position (GRCh38, 1-based): chr2:63,484,939, C>T on the plus strand (G>A on the coding strand, the complement: WDPCP is on the minus strand). VCF-style: chr2-63484939-C-T. GRCh37 (hg19) VCF-style: chr2-63712073-C-T.
Other names: c.302G>A (NM_015910.5); c.230G>A, p.Arg77Gln (NM_001354044.2); c.302G>A, p.Arg101Gln (NM_001354045.2); short protein forms R101Q, R77Q.
Identifiers: ClinVar variation 1493888 (VCV001493888.9), dbSNP rs746158542, ClinGen allele CA1682530.